The following is an entry in ClinVar:

ClinVar aggregate classification (germline): Uncertain significance (1 of 4 stars; one submission).

Conditions:
Hereditary cancer-predisposing syndrome. Also called: Tumor predisposition; Neoplastic Syndromes, Hereditary; Hereditary Cancer Syndrome; Hereditary neoplastic syndrome. Identifiers: Orphanet 140162, MedGen C0027672, MeSH D009386, MONDO:0015356.

Submission:

Ambry Genetics
Classification: Uncertain significance for Hereditary cancer-predisposing syndrome. Last evaluated: 2025-01-03. Review status: criteria provided, single submitter. Criteria: Ambry Variant Classification Scheme 2023. Collection method: clinical testing. Allele origin: germline.
Comment: The p.D206A variant (also known as c.617A>C), located in coding exon 6 of the MRE11A gene, results from an A to C substitution at nucleotide position 617. The aspartic acid at codon 206 is replaced by alanine, an amino acid with dissimilar properties. This amino acid position is conserved. In addition, the in silico prediction for this alteration is inconclusive. Based on the available evidence, the clinical significance of this variant remains unclear.

NM_005591.4(MRE11):c.617A>C (p.Asp206Ala)

Gene: MRE11 (MRE11 double strand break repair nuclease; minus strand). Cytogenetic location: 11q21.
Variant type: single nucleotide variant.
Coding change: c.617A>C on transcript NM_005591.4 (MANE Select); coding-DNA position 617, A replaced by C.
Protein change: p.Asp206Ala; replaces aspartic acid 206 with alanine.
Molecular consequence: missense variant.
Genome position (GRCh38, 1-based): chr11:94,476,331, T>G on the plus strand (A>C on the coding strand, the complement: MRE11 is on the minus strand). VCF-style: chr11-94476331-T-G. GRCh37 (hg19) VCF-style: chr11-94209497-T-G.
Other names: c.617A>C, p.Asp206Ala (NM_001330347.2, NM_005590.4); short protein forms D206A.
Identifiers: ClinVar variation 3874297 (VCV003874297.1).
Genomic context (GRCh38, chr11:94,476,331, plus strand): 5'-TTCAGAGAAAAGTTTTACCTGTTCTGATGAATCACAAATAAGTTAAACCAAGAGTTCTCA[T>G]CTTCCTTTGGTCTCAACATTGTTACTTTTTTATTGACAAACATTCGATAGAGCCTTTCAT-3'
Protein context (NP_005582.1, residues 196-216): KKVTMLRPKE[Asp206Ala]ENSWFNLFVI